The following is an entry in ClinVar:

NC_000003.12:g.169765035C>T

Genes: TERC (telomerase RNA component; minus strand), LOC110806306 (telomerase RNA component (TERC) promoter; plus strand). Cytogenetic location: 3q26.2.
Variant type: single nucleotide variant.
Genome position: GRCh38 VCF-style: chr3-169765035-C-T. GRCh37 (hg19) VCF-style: chr3-169482823-C-T.
Identifiers: ClinVar variation 2081070 (VCV002081070.4), dbSNP rs1777965400, ClinGen allele CA436716015.

ClinVar aggregate classification (germline): Uncertain significance (1 of 4 stars; one submission).

Conditions:
Dyskeratosis congenita, autosomal dominant 1 (DKCA1). Also called: Dyskeratosis congenita Scoggins type. Identifiers: Orphanet 1775, MedGen C4551974, MONDO:0007485, OMIM 127550. Inheritance: Variable.

Submission:

Labcorp Genetics (formerly Invitae), Labcorp
Classification: Uncertain significance for Dyskeratosis congenita, autosomal dominant 1. Last evaluated: 2023-01-26. Review status: criteria provided, single submitter. Criteria: Invitae Variant Classification Sherloc (09022015). Collection method: clinical testing. Allele origin: germline.
Comment: This variant occurs in the TERC gene, which encodes an RNA molecule that does not result in a protein product. In summary, the available evidence is currently insufficient to determine the role of this variant in disease. Therefore, it has been classified as a Variant of Uncertain Significance. This variant is located at the 5’ end of the TERC RNA component (PMID: 15082312, 21844345). The functional significance of this region is not well understood. This variant has not been reported in the literature in individuals affected with TERC-related conditions. This variant is not present in population databases (gnomAD no frequency).

Literature cited by the submitters: PubMed 15082312; PubMed 21844345.